The following is an entry in ClinVar:

NM_001368894.2(PAX6):c.684A>T (p.Arg228Ser)

Gene: PAX6 (paired box 6; minus strand). Cytogenetic location: 11p13.
Variant type: single nucleotide variant.
Coding change: c.684A>T on transcript NM_001368894.2 (MANE Select); coding-DNA position 684, A replaced by T.
Protein change: p.Arg228Ser; replaces arginine 228 with serine.
Molecular consequence: missense variant. On other transcripts: non-coding transcript variant (2).
Genome position (GRCh38, 1-based): chr11:31,794,670, T>A on the plus strand (A>T on the coding strand, the complement: PAX6 is on the minus strand). VCF-style: chr11-31794670-T-A. GRCh37 (hg19) VCF-style: chr11-31816218-T-A.
Other names: c.642A>T, p.Arg214Ser (NM_000280.6, NM_001127612.3, NM_001258464.2 and 10 more transcripts); c.684A>T, p.Arg228Ser (NM_001258462.3, NM_001258463.2, NM_001310158.2 and 6 more transcripts); c.234A>T, p.Arg78Ser (NM_001310160.2, NM_001310161.3, NM_001368899.2 and 11 more transcripts); c.885A>T, p.Arg295Ser (NM_001368910.2); c.687A>T, p.Arg229Ser (NM_001368911.2); c.759A>T, p.Arg253Ser (NM_001368918.2, NM_001368919.2); c.717A>T, p.Arg239Ser (NM_001368920.2); c.483A>T, p.Arg161Ser (NM_001368921.2, NM_001368922.2, NM_001368923.2 and 4 more transcripts); and 2 more; short protein forms R239S, R295S, R78S, R147S, R228S, R253S, R161S, R229S.
Identifiers: ClinVar variation 2002824 (VCV002002824.4), dbSNP rs1459535494, ClinGen allele CA379956893.

ClinVar aggregate classification (germline): Pathogenic (1 of 4 stars; one submission).

Conditions:
Aniridia 1 (AN1). Identifiers: Orphanet 250923, MedGen C0344542, MONDO:0024507, OMIM 106210.
Irido-corneo-trabecular dysgenesis (ASGD5). Also called: ANTERIOR SEGMENT DYSGENESIS 5. Identifiers: Orphanet 708, MedGen C0344559, MONDO:0011414, OMIM 604229, HP:0000659.

Submission:

Labcorp Genetics (formerly Invitae), Labcorp
Classification: Pathogenic for Aniridia 1; Irido-corneo-trabecular dysgenesis. Last evaluated: 2025-07-31. Review status: criteria provided, single submitter. Criteria: Invitae Variant Classification Sherloc (09022015). Collection method: clinical testing. Allele origin: germline.
Comment: This sequence change replaces arginine, which is basic and polar, with serine, which is neutral and polar, at codon 214 of the PAX6 protein (p.Arg214Ser). This variant is not present in population databases (gnomAD no frequency). This missense change has been observed in individual(s) with aniridia (PMID: 22393275). ClinVar contains an entry for this variant (Variation ID: 2002824). Invitae Evidence Modeling of protein sequence and biophysical properties (such as structural, functional, and spatial information, amino acid conservation, physicochemical variation, residue mobility, and thermodynamic stability) indicates that this missense variant is expected to disrupt PAX6 protein function with a positive predictive value of 80%. This variant disrupts the p.Arg214 amino acid residue in PAX6. Other variant(s) that disrupt this residue have been determined to be pathogenic (PMID: 18483559, 32360764). This suggests that this residue is clinically significant, and that variants that disrupt this residue are likely to be disease-causing. For these reasons, this variant has been classified as Pathogenic.

Literature cited by the submitters: PubMed 22393275; PubMed 18483559; PubMed 32360764.